The following is an entry in ClinVar:

ClinVar aggregate classification (germline): Uncertain significance. Review status: criteria provided, multiple submitters, no conflicts (2 of 4 stars). 2 submissions from 2 submitters: Uncertain significance (2). Last evaluated 2022-12-05.

Conditions:
Hereditary cancer-predisposing syndrome. Also called: Neoplastic Syndromes, Hereditary; Tumor predisposition; Hereditary Cancer Syndrome; Hereditary neoplastic syndrome. Identifiers: Orphanet 140162, MedGen C0027672, MeSH D009386, MONDO:0015356.
Hereditary nonpolyposis colorectal neoplasms. Identifiers: MedGen C0009405, MeSH D003123.

Submissions (2):

Color Diagnostics, LLC DBA Color Health
Classification: Uncertain significance for Hereditary cancer-predisposing syndrome. Last evaluated: 2022-12-05. Review status: criteria provided, single submitter. Criteria: ACMG Guidelines, 2015. Collection method: clinical testing. Allele origin: germline.
Comment: This missense variant replaces threonine with isoleucine at codon 357 of the PMS2 protein. Computational prediction is inconclusive regarding the impact of this variant on protein structure and function (internally defined REVEL score threshold 0.5 < inconclusive < 0.7, PMID: 27666373). To our knowledge, functional studies have not been reported for this variant. This variant has not been reported in individuals affected with PMS2-related disorders in the literature. This variant has not been identified in the general population by the Genome Aggregation Database (gnomAD). The available evidence is insufficient to determine the role of this variant in disease conclusively. Therefore, this variant is classified as a Variant of Uncertain Significance.

Labcorp Genetics (formerly Invitae), Labcorp
Classification: Uncertain significance for Hereditary nonpolyposis colorectal neoplasms. Last evaluated: 2017-10-27. Review status: criteria provided, single submitter. Criteria: Invitae Variant Classification Sherloc (09022015). Collection method: clinical testing. Allele origin: germline.
Comment: In summary, the available evidence is currently insufficient to determine the role of this variant in disease. Therefore, it has been classified as a Variant of Uncertain Significance. Algorithms developed to predict the effect of missense changes on protein structure and function do not agree on the potential impact of this missense change (SIFT: "Deleterious"; PolyPhen-2: "Probably Damaging"; Align-GVGD: "Class C0"). This variant has not been reported in the literature in individuals with PMS2-related disease. This variant is not present in population databases (ExAC no frequency). This sequence change replaces threonine with isoleucine at codon 357 of the PMS2 protein (p.Thr357Ile). The threonine residue is moderately conserved and there is a moderate physicochemical difference between threonine and isoleucine.

NM_000535.7(PMS2):c.1070C>T (p.Thr357Ile)

Gene: PMS2 (PMS1 homolog 2, mismatch repair system component; minus strand). Cytogenetic location: 7p22.1.
Variant type: single nucleotide variant.
Coding change: c.1070C>T on transcript NM_000535.7 (MANE Select); coding-DNA position 1070, C replaced by T.
Protein change: p.Thr357Ile; replaces threonine 357 with isoleucine.
Molecular consequence: missense variant. On other transcripts: non-coding transcript variant (1), intron variant (2).
Genome position (GRCh38, 1-based): chr7:5,989,874, G>A on the plus strand (C>T on the coding strand, the complement: PMS2 is on the minus strand). VCF-style: chr7-5989874-G-A. GRCh37 (hg19) VCF-style: chr7-6029505-G-A.
Other names: c.665C>T, p.Thr222Ile (NM_001322003.2, NM_001322004.2, NM_001322005.2 and 1 more transcripts); c.752C>T, p.Thr251Ile (NM_001322007.2, NM_001322008.2); c.137C>T, p.Thr46Ile (NM_001322011.2, NM_001322012.2); c.497C>T, p.Thr166Ile (NM_001322013.2); c.1070C>T, p.Thr357Ile (NM_001322014.2); c.761C>T, p.Thr254Ile (NM_001322015.2); c.583+2099C>T (NM_001322010.2); c.988+2099C>T (NM_001322006.2); short protein forms T357I, T222I, T166I, T251I, T254I, T46I.
Identifiers: ClinVar variation 525674 (VCV000525674.9), dbSNP rs980612510, ClinGen allele CA366742869.
Genomic context (GRCh38, chr7:5,989,874, plus strand): 5'-AGTGGCTGCTGACTGACATTTAGCTTGTTGACATCACTATCAAACATTCCTATCAAAGAG[G>A]TCTTTAAAACTGCCAACAAAAGCTTTTCCTCTTGTAGCAAAATTTGCCTTTTATCTGGAG-3'
Protein context (NP_000526.2, residues 347-367): EEKLLLAVLK[Thr357Ile]SLIGMFDSDV